The following is an entry in ClinVar:

NM_004991.4(MECOM):c.3587C>T (p.Ala1196Val)

Gene: MECOM (MDS1 and EVI1 complex locus; minus strand). Cytogenetic location: 3q26.2.
Variant type: single nucleotide variant.
Coding change: c.3587C>T on transcript NM_004991.4 (MANE Select); coding-DNA position 3587, C replaced by T.
Protein change: p.Ala1196Val; replaces alanine 1196 with valine.
Molecular consequence: missense variant.
Genome position (GRCh38, 1-based): chr3:169,085,042, G>A on the plus strand (C>T on the coding strand, the complement: MECOM is on the minus strand). VCF-style: chr3-169085042-G-A. GRCh37 (hg19) VCF-style: chr3-168802830-G-A.
Other names: c.2996C>T, p.Ala999Val (NM_001164000.2, NM_001366471.2, NM_001366472.2); c.3023C>T, p.Ala1008Val (NM_001205194.2, NM_001366469.2, NM_005241.4 and 1 more transcripts); c.3560C>T, p.Ala1187Val (NM_001366466.2); c.3026C>T, p.Ala1009Val (NM_001366467.2, NM_001366468.2); c.2999C>T, p.Ala1000Val (NM_001366470.2, NM_001163999.2); c.2588C>T, p.Ala863Val (NM_001366473.2); c.2024C>T, p.Ala675Val (NM_001366474.2); c.3218C>T, p.Ala1073Val (NM_001105077.4); short protein forms A1008V, A999V, A1073V, A1000V, A1009V, A675V, A1187V, A1196V.
Identifiers: ClinVar variation 4624594 (VCV004624594.1).
Genomic context (GRCh38, chr3:169,085,042, plus strand): 5'-GAACTGTGGGATGTAGAATGGAGGGACTCCTTGTCAGACAGTGACAGCATCATAGCATAT[G>A]CCTGGGGTAAAAAGGAGAGAGACTCAGTAAATGGCATTTGAAAAACATCACTTTTAGTTC-3'
Protein context (NP_004982.2, residues 1186-1206): QPLHRKSKSQ[Ala1196Val]YAMMLSLSDK

ClinVar aggregate classification (germline): Uncertain significance (1 of 4 stars; one submission).

Conditions:
Inborn genetic diseases. Identifiers: MedGen C0950123, MeSH D030342.

gnomAD v4.1: 2 of 1,613,852 alleles (0.00012%); highest among the groups gnomAD compares: Non-Finnish European, 0.000085%; no homozygotes.

Submission:

Ambry Genetics
Classification: Uncertain significance for Inborn genetic diseases. Last evaluated: 2025-09-20. Review status: criteria provided, single submitter. Criteria: Ambry Variant Classification Scheme 2023. Collection method: clinical testing. Allele origin: germline.
Comment: The p.A1196V variant (also known as c.3587C>T), located in coding exon 17 of the MECOM gene, results from a C to T substitution at nucleotide position 3587. The alanine at codon 1196 is replaced by valine, an amino acid with similar properties. This amino acid position is conserved. In addition, the in silico prediction for this alteration is inconclusive. Based on the available evidence, the clinical significance of this variant remains unclear.